The following is an entry in ClinVar:

NM_001077365.2(POMT1):c.1303G>A (p.Val435Ile)

Gene: POMT1 (protein O-mannosyltransferase 1; plus strand). Cytogenetic location: 9q34.13.
Variant type: single nucleotide variant.
Coding change: c.1303G>A on transcript NM_001077365.2 (MANE Select); coding-DNA position 1303, G replaced by A.
Protein change: p.Val435Ile; replaces valine 435 with isoleucine.
Molecular consequence: missense variant. On other transcripts: non-coding transcript variant (10).
Genome position (GRCh38, 1-based): chr9:131,518,475, G>A. VCF-style: chr9-131518475-G-A. GRCh37 (hg19) VCF-style: chr9-134393862-G-A.
Other names: c.1141G>A, p.Val381Ile (NM_001077366.2, NM_001353194.2); c.1303G>A, p.Val435Ile (NM_001136113.2, NM_001374690.1); c.952G>A, p.Val318Ile (NM_001136114.2, NM_001353195.2, NM_001374691.1 and 2 more transcripts); c.1369G>A, p.Val457Ile (NM_001353193.2, NM_007171.4); c.1213G>A, p.Val405Ile (NM_001353196.2); c.1207G>A, p.Val403Ile (NM_001353197.2, NM_001353198.2); c.1018G>A, p.Val340Ile (NM_001353199.2); c.847G>A, p.Val283Ile (NM_001353200.2); and 2 more; short protein forms V457I, V435I, V318I, V283I, V381I, V405I, V340I, V403I.
Identifiers: ClinVar variation 218515 (VCV000218515.42), dbSNP rs377304621, ClinGen allele CA249339.

ClinVar aggregate classification (germline): Conflicting classifications of pathogenicity. Review status: criteria provided, conflicting classifications (1 of 4 stars). 6 submissions from 6 submitters: Uncertain significance (2); Benign (1); Likely benign (3). Last evaluated 2026-01-11.

Conditions:
Autosomal recessive limb-girdle muscular dystrophy type 2K. Also called: MUSCULAR DYSTROPHY-DYSTROGLYCANOPATHY (LIMB-GIRDLE), TYPE C, 1; MUSCULAR DYSTROPHY, LIMB-GIRDLE, TYPE 2K. Identifiers: Orphanet 86812, MedGen C1836373, MONDO:0012248, OMIM 609308.
Muscular dystrophy-dystroglycanopathy (congenital with impaired intellectual development), type B, 1. Also called: Muscular dystrophy-dystroglycanopathy (congenital with intellectual disability), type B1; MUSCULAR DYSTROPHY, CONGENITAL, POMT1-RELATED. Identifiers: MedGen C5436962, MONDO:0013159, OMIM 613155.
Walker-Warburg congenital muscular dystrophy. Also called: Muscular dystrophy-dystroglycanopathy, type A; Walker-Warburg syndrome. Identifiers: Orphanet 899, MedGen C0265221, MONDO:0000171.

Allele frequency attached by ClinVar (database versions not stated): gnomAD 0.00004 and 0.00010; ESP Exome Variant Server 0.00008; TOPMed 0.00008; gnomAD exomes 0.00039; 1000 Genomes Project 0.00040; 1000 Genomes Project 30x 0.00047; ExAC 0.00048.
gnomAD v4.1: 288 of 1,613,840 alleles (0.018%); highest among the groups gnomAD compares: South Asian, 0.23%; 4 homozygotes.

Submissions (6):

Labcorp Genetics (formerly Invitae), Labcorp
Classification: Benign for Muscular dystrophy-dystroglycanopathy (congenital with impaired intellectual development), type B, 1; Walker-Warburg congenital muscular dystrophy; Autosomal recessive limb-girdle muscular dystrophy type 2K. Last evaluated: 2026-01-11. Review status: criteria provided, single submitter. Criteria: Invitae Variant Classification Sherloc (09022015). Collection method: clinical testing. Allele origin: germline.

CeGaT Center for Human Genetics Tuebingen
Classification: Likely benign. Last evaluated: 2025-11-01. Review status: criteria provided, single submitter. Criteria: CeGaT Center For Human Genetics Tuebingen Variant Classification Criteria Version 2. Collection method: clinical testing. Allele origin: germline. Affected: yes. Observed: 4 variant alleles.
Comment: POMT1: BP4

GeneDx
Classification: Likely benign. Last evaluated: 2021-03-01. Review status: criteria provided, single submitter. Criteria: GeneDx Variant Classification Process June 2021. Collection method: clinical testing. Allele origin: germline. Affected: yes.

Eurofins Ntd Llc (ga)
Classification: Uncertain significance. Last evaluated: 2015-07-14. Review status: criteria provided, single submitter. Criteria: EGL Classification Definitions 2015. Collection method: clinical testing. Allele origin: germline. Observed: 4 variant alleles, 4 heterozygotes.

Genomic Diagnostic Laboratory, Division of Genomic Diagnostics, Children's Hospital of Philadelphia
Classification: Uncertain significance. Last evaluated: 2015-02-19. Review status: criteria provided, single submitter. Criteria: DGD Variant Analysis Guidelines. Collection method: clinical testing. Allele origin: unknown.

PreventionGenetics, part of Exact Sciences
Classification: Likely benign. Review status: criteria provided, single submitter. Criteria: ACMG Guidelines, 2015. Collection method: clinical testing. Allele origin: germline.